The following is an entry in ClinVar:

NM_024675.4(PALB2):c.1127G>C (p.Ser376Thr)

Gene: PALB2 (partner and localizer of BRCA2; minus strand). Cytogenetic location: 16p12.2.
Variant type: single nucleotide variant.
Coding change: c.1127G>C on transcript NM_024675.4 (MANE Select); coding-DNA position 1127, G replaced by C.
Protein change: p.Ser376Thr; replaces serine 376 with threonine.
Molecular consequence: missense variant.
Genome position (GRCh38, 1-based): chr16:23,635,419, C>G on the plus strand (G>C on the coding strand, the complement: PALB2 is on the minus strand). VCF-style: chr16-23635419-C-G. GRCh37 (hg19) VCF-style: chr16-23646740-C-G.
Other names: short protein forms S376T.
Identifiers: ClinVar variation 142053 (VCV000142053.24), dbSNP rs587782200, ClinGen allele CA167264.
Genomic context (GRCh38, chr16:23,635,419, plus strand): 5'-CAAGAATGTTTTTCTGCAGAAAGAGGAGAGGTTGCTTCCAGGCTAAGACTCTTAGGTTGA[C>G]TTAGAATCTCACTTTCCTGAAGATTTTCATTCCTGCCATCAAGAGTGTCACTGGGAGATT-3'
Protein context (NP_078951.2, residues 366-386): NENLQESEIL[Ser376Thr]QPKSLSLEAT

ClinVar aggregate classification (germline): Conflicting classifications of pathogenicity. Review status: criteria provided, conflicting classifications (1 of 4 stars). 6 submissions from 6 submitters: Uncertain significance (5); Likely benign (1). Last evaluated 2026-01-18.

Conditions:
Hereditary cancer-predisposing syndrome. Also called: Neoplastic Syndromes, Hereditary; Tumor predisposition; Hereditary Cancer Syndrome; Hereditary neoplastic syndrome. Identifiers: Orphanet 140162, MedGen C0027672, MeSH D009386, MONDO:0015356.
Familial cancer of breast. Also called: BREAST CANCER, FAMILIAL; Hereditary breast cancer; hereditary breast carcinoma. Identifiers: Orphanet 227535, MedGen C0346153, MONDO:0016419, OMIM 114480. Disease mechanism: loss of function.

Allele frequency attached by ClinVar (database versions not stated): gnomAD exomes below 0.00001.

Submissions (6):

Labcorp Genetics (formerly Invitae), Labcorp
Classification: Uncertain significance for Familial cancer of breast. Last evaluated: 2026-01-18. Review status: criteria provided, single submitter. Criteria: Invitae Variant Classification Sherloc (09022015). Collection method: clinical testing. Allele origin: germline.
Comment: This sequence change replaces serine, which is neutral and polar, with threonine, which is neutral and polar, at codon 376 of the PALB2 protein (p.Ser376Thr). This variant is not present in population databases (gnomAD no frequency). This variant has not been reported in the literature in individuals affected with PALB2-related conditions. ClinVar contains an entry for this variant (Variation ID: 142053). Invitae Evidence Modeling of protein sequence and biophysical properties (such as structural, functional, and spatial information, amino acid conservation, physicochemical variation, residue mobility, and thermodynamic stability) indicates that this missense variant is not expected to disrupt PALB2 protein function with a negative predictive value of 80%. In summary, the available evidence is currently insufficient to determine the role of this variant in disease. Therefore, it has been classified as a Variant of Uncertain Significance.

Quest Diagnostics Nichols Institute San Juan Capistrano
Classification: Uncertain significance. Last evaluated: 2025-02-12. Review status: criteria provided, single submitter. Criteria: Quest Diagnostics criteria. Collection method: clinical testing. Allele origin: unknown.
Comment: The PALB2 c.1127G>C (p.Ser376Thr) variant has not been reported in individuals with PALB2-related conditions in the published literature. It also has not been reported in large, multi-ethnic general populations (Genome Aggregation Database). Analysis of this variant using bioinformatics tools for the prediction of the effect of amino acid changes on protein structure and function yielded conflicting predictions that this variant is benign or damaging. Based on the available information, we are unable to determine the clinical significance of this variant.

Molecular Pathology, Peter Maccallum Cancer Centre
Classification: Uncertain significance for Familial cancer of breast. Last evaluated: 2024-10-31. Review status: criteria provided, single submitter. Criteria: ACMG Guidelines, 2015. Collection method: clinical testing. Allele origin: germline. Inheritance: Autosomal dominant inheritance.

Ambry Genetics
Classification: Likely benign for Hereditary cancer-predisposing syndrome. Last evaluated: 2024-03-27. Review status: criteria provided, single submitter. Criteria: Ambry Variant Classification Scheme 2023. Collection method: clinical testing. Allele origin: germline.

Color Diagnostics, LLC DBA Color Health
Classification: Uncertain significance for Hereditary cancer-predisposing syndrome. Last evaluated: 2023-05-15. Review status: criteria provided, single submitter. Criteria: ACMG Guidelines, 2015. Collection method: clinical testing. Allele origin: germline.
Comment: This missense variant replaces serine with threonine at codon 376 of the PALB2 protein. Computational prediction suggests that this variant may not impact protein structure and function (internally defined REVEL score threshold <= 0.5, PMID: 27666373). To our knowledge, functional studies have not been reported for this variant. This variant has not been reported in individuals affected with hereditary cancer in the literature. This variant has not been identified in the general population by the Genome Aggregation Database (gnomAD). The available evidence is insufficient to determine the role of this variant in disease conclusively. Therefore, this variant is classified as a Variant of Uncertain Significance.

GeneDx
Classification: Uncertain significance. Last evaluated: 2022-10-03. Review status: criteria provided, single submitter. Criteria: GeneDx Variant Classification Process June 2021. Collection method: clinical testing. Allele origin: germline. Affected: yes.
Comment: Not observed at significant frequency in large population cohorts (gnomAD); In silico analysis supports that this missense variant does not alter protein structure/function; Has not been previously published as pathogenic or benign to our knowledge